The following is an entry in ClinVar:

ClinVar aggregate classification (germline): Uncertain significance. Review status: criteria provided, multiple submitters, no conflicts (2 of 4 stars). 3 submissions from 3 submitters: Uncertain significance (3). Last evaluated 2025-06-10.

Conditions:
Hereditary breast ovarian cancer syndrome. Also called: Hereditary breast and ovarian cancer; Breast and ovarian cancer; Hereditary breast and ovarian cancer syndrome; Hereditary breast and/or ovarian cancer syndrome; BRCA1- and BRCA2-Associated Hereditary Breast and Ovarian Cancer; Hereditary breast and ovarian cancer syndrome (HBOC). Identifiers: Orphanet 145, MedGen C0677776, MeSH D061325, MONDO:0003582. Disease mechanism: loss of function.
Hereditary cancer-predisposing syndrome. Also called: Hereditary Cancer Syndrome; Hereditary neoplastic syndrome; Neoplastic Syndromes, Hereditary; Tumor predisposition. Identifiers: Orphanet 140162, MedGen C0027672, MeSH D009386, MONDO:0015356.

Allele frequency attached by ClinVar (database versions not stated): gnomAD exomes below 0.00001.
gnomAD v4.1: 2 of 1,613,872 alleles (0.00012%); highest among the groups gnomAD compares: Non-Finnish European, 0.00017%; no homozygotes.

Submissions (3):

Color Diagnostics, LLC DBA Color Health
Classification: Uncertain significance for Hereditary cancer-predisposing syndrome. Last evaluated: 2025-06-10. Review status: criteria provided, single submitter. Criteria: ACMG Guidelines, 2015. Collection method: clinical testing. Allele origin: germline.
Comment: This missense variant replaces serine with arginine at codon 1483 of the BRCA1 protein. Computational prediction suggests that this variant may not impact protein structure and function. To our knowledge, functional studies have not been reported for this variant. This variant has been reported in three breast, pancreatic and prostate cancer case-control studies and found only in unaffected individuals and absent in cases (PMID: 30287823, 31214711, 32980694). A multifactorial analysis has reported a likelihood ratio for pathogenicity based on personal and family history of 0.067 from log(LR)=-1.1743 for one carrier (PMID: 31853058). This variant has not been identified in the general population by the Genome Aggregation Database (gnomAD). The available evidence is insufficient to determine the role of this variant in disease conclusively. Therefore, this variant is classified as a Variant of Uncertain Significance.

Labcorp Genetics (formerly Invitae), Labcorp
Classification: Uncertain significance for Hereditary breast ovarian cancer syndrome. Last evaluated: 2024-07-02. Review status: criteria provided, single submitter. Criteria: Invitae Variant Classification Sherloc (09022015). Collection method: clinical testing. Allele origin: germline.
Comment: This sequence change replaces serine, which is neutral and polar, with arginine, which is basic and polar, at codon 1483 of the BRCA1 protein (p.Ser1483Arg). This variant is not present in population databases (gnomAD no frequency). This variant has not been reported in the literature in individuals affected with BRCA1-related conditions. ClinVar contains an entry for this variant (Variation ID: 441440). Advanced modeling of protein sequence and biophysical properties (such as structural, functional, and spatial information, amino acid conservation, physicochemical variation, residue mobility, and thermodynamic stability) performed at Invitae indicates that this missense variant is not expected to disrupt BRCA1 protein function with a negative predictive value of 95%. In summary, the available evidence is currently insufficient to determine the role of this variant in disease. Therefore, it has been classified as a Variant of Uncertain Significance.

Ambry Genetics
Classification: Uncertain significance for Hereditary cancer-predisposing syndrome. Last evaluated: 2023-10-06. Review status: criteria provided, single submitter. Criteria: Ambry Variant Classification Scheme 2023. Collection method: clinical testing. Allele origin: germline.
Comment: The p.S1483R variant (also known as c.4447A>C), located in coding exon 12 of the BRCA1 gene, results from an A to C substitution at nucleotide position 4447. The serine at codon 1483 is replaced by arginine, an amino acid with dissimilar properties. This alteration was not observed in 7,051 unselected female breast cancer patients and was observed with an allele frequency of one in 11,241 female controls of Japanese ancestry. In addition, it was not observed in unselected male breast cancer patients and was observed with an allele frequency of one in 12490 male controls of Japanese ancestry (Momozawa Y et al. Nat Commun, 2018 10;9:4083). This amino acid position is not well conserved in available vertebrate species. In addition, this alteration is predicted to be tolerated by in silico analysis. Since supporting evidence is limited at this time, the clinical significance of this alteration remains unclear.

Literature cited by the submitters: PubMed 30287823 (cited by Color Diagnostics, LLC DBA Color Health and Ambry Genetics); PubMed 31214711 (cited by Color Diagnostics, LLC DBA Color Health); PubMed 31853058 (cited by Color Diagnostics, LLC DBA Color Health); PubMed 32980694 (cited by Color Diagnostics, LLC DBA Color Health).

NM_007294.4(BRCA1):c.4447A>C (p.Ser1483Arg)

Gene: BRCA1 (BRCA1 DNA repair associated; minus strand). Cytogenetic location: 17q21.31.
Variant type: single nucleotide variant.
Coding change: c.4447A>C on transcript NM_007294.4 (MANE Select); coding-DNA position 4447, A replaced by C.
Protein change: p.Ser1483Arg; replaces serine 1483 with arginine.
Molecular consequence: missense variant. On other transcripts: non-coding transcript variant (1).
Genome position (GRCh38, 1-based): chr17:43,076,525, T>G on the plus strand (A>C on the coding strand, the complement: BRCA1 is on the minus strand). VCF-style: chr17-43076525-T-G. GRCh37 (hg19) VCF-style: chr17-41228542-T-G.
Other names: c.4444A>C, p.Ser1482Arg (NM_001407860.1, NM_001407614.1, NM_001407615.1 and 17 more transcripts); c.4441A>C, p.Ser1481Arg (NM_001407861.1, NM_001407627.1, NM_001407628.1 and 14 more transcripts); c.4321A>C, p.Ser1441Arg (NM_001407863.1, NM_001407670.1, NM_001407671.1 and 11 more transcripts); c.4240A>C, p.Ser1414Arg (NM_001407874.1, NM_001407875.1); c.4237A>C, p.Ser1413Arg (NM_001407879.1, NM_001407884.1, NM_001407881.1 and 5 more transcripts); c.4246A>C, p.Ser1416Arg (NM_001407862.1); c.4438A>C, p.Ser1480Arg (NM_001407644.1, NM_001407645.1); c.4435A>C, p.Ser1479Arg (NM_001407646.1); and 68 more; short protein forms S1483R, S1504R, S1436R, S379R, S1354R, S1370R, S1394R, S1411R.
Identifiers: ClinVar variation 441440 (VCV000441440.16), dbSNP rs1555582583, ClinGen allele CA10592642.